The following is an entry in ClinVar:

NM_005154.5(USP8):c.2152T>C (p.Ser718Pro)

Gene: USP8 (ubiquitin specific peptidase 8; plus strand). Cytogenetic location: 15q21.2.
Variant type: single nucleotide variant.
Coding change: c.2152T>C on transcript NM_005154.5 (MANE Select); coding-DNA position 2152, T replaced by C.
Protein change: p.Ser718Pro; replaces serine 718 with proline.
Molecular consequence: missense variant.
Genome position (GRCh38, 1-based): chr15:50,490,443, T>C. VCF-style: chr15-50490443-T-C. GRCh37 (hg19) VCF-style: chr15-50782640-T-C.
Other names: c.2152T>C, p.Ser718Pro (NM_001128610.3); c.1834T>C, p.Ser612Pro (NM_001283049.2); short protein forms S718P, S612P.
Identifiers: ClinVar variation 161992 (VCV000161992.2), dbSNP rs672601307, ClinGen allele CA174937.

ClinVar aggregate classification (germline): Pathogenic. Review status: no assertion criteria provided (0 of 4 stars). 2 submissions from 2 submitters: Pathogenic (2). Last evaluated 2017-09-26.

Conditions:
Pituitary dependent hypercortisolism. Also called: Pituitary ACTH Hypersecretion; Cushing disease due to pituitary adenoma; CUSHING DISEASE, PITUITARY; Pituitary adenoma, acth-secreting, somatic; PITUITARY ADENOMA 4, ACTH-SECRETING. Identifiers: Orphanet 96253, MedGen C0221406, MONDO:0009050, OMIM 219090.

Allele frequency attached by ClinVar (database versions not stated): gnomAD exomes below 0.00001.
gnomAD v4.1: 1 of 1,614,074 alleles (0.000062%); highest among the groups gnomAD compares: Non-Finnish European, 0.000085%; no homozygotes.

Submissions (2):

OMIM
Classification: Pathogenic for PITUITARY ADENOMA 4, ACTH-SECRETING, SOMATIC. Last evaluated: 2017-09-26. Review status: no assertion criteria provided. Collection method: literature only. Allele origin: somatic.

Institute of Human Genetics Munich, TUM University Hospital
Classification: Pathogenic for Pituitary dependent hypercortisolism. Last evaluated: 2014-11-18. Review status: no assertion criteria provided. Collection method: research. Allele origin: somatic. Affected: yes. Observed: 2 variant alleles.
Comment: gain of function

Literature cited by the submitters: PubMed 25675982 (cited by OMIM); PubMed 25942478 (cited by OMIM).